The following is an entry in ClinVar:

NM_001376232.1(ZP2):c.1634G>A (p.Cys545Tyr)

Gene: ZP2 (zona pellucida glycoprotein 2; minus strand). Cytogenetic location: 16p12.2.
Variant type: single nucleotide variant.
Coding change: c.1634G>A on transcript NM_001376232.1 (MANE Select); coding-DNA position 1634, G replaced by A.
Protein change: p.Cys545Tyr; replaces cysteine 545 with tyrosine.
Molecular consequence: missense variant. On other transcripts: non-coding transcript variant (1).
Genome position (GRCh38, 1-based): chr16:21,201,429, C>T on the plus strand (G>A on the coding strand, the complement: ZP2 is on the minus strand). VCF-style: chr16-21201429-C-T. GRCh37 (hg19) VCF-style: chr16-21212750-C-T.
Other names: c.1607G>A, p.Cys536Tyr (NM_001376231.1); c.1634G>A, p.Cys545Tyr (NM_001376233.1, NM_003460.2); short protein forms C536Y, C545Y.
Identifiers: ClinVar variation 4796613 (VCV004796613.1).

ClinVar aggregate classification (germline): Likely pathogenic (1 of 4 stars; one submission).

Conditions:
Oocyte maturation defect 6. Also called: OOCYTE/ZYGOTE/EMBRYO MATURATION ARREST 6. Identifiers: MedGen C5193047, MONDO:0032696, OMIM 618353.

Submission:

Juno Genomics, Hangzhou Juno Genomics, Inc
Classification: Likely pathogenic for Oocyte maturation defect 6. Review status: criteria provided, single submitter. Criteria: ACMG Guidelines, 2015. Collection method: clinical testing. Allele origin: germline. Affected: yes.
Comment: Absent from controls (or at extremely low frequency if recessive) in Genome Aggregation Database, Exome Sequencing Project, 1000 Genomes Project, or Exome Aggregation Consortium.;Multiple lines of computational evidence support a deleterious effect on the gene or gene product (conservation, evolutionary, splicing impact, etc).;Patient's phenotype or family history is highly specific for a disease with a single genetic etiology.